The following is an entry in ClinVar:

ClinVar aggregate classification (germline): no classifications from unflagged records (0 of 4 stars; one submission).

Conditions:
Chronic obstructive pulmonary disease. Also called: Chronic pulmonary obstruction. Identifiers: MedGen C0024117, MeSH D029424, MONDO:0005002, OMIM 606963, HP:0006510.

Submission:

Dr Mariam's Lab, University of the Punjab
Classification: Likely pathogenic for Chronic obstructive pulmonary disease. Review status: flagged submission. Collection method: case-control. Allele origin: germline. Affected: yes.
ClinVar note: Notes: This variant is present in over 40% of the population and the phenotype is not a monogenic disease. The terms P/LP are not appropriate.
ClinVar note: Reason: Other

NC_000012.12:g.47906043T>C

Gene: VDR (vitamin D receptor; minus strand). Cytogenetic location: 12q13.11.
Variant type: single nucleotide variant.
Genome position: GRCh38 VCF-style: chr12-47906043-T-C. GRCh37 (hg19) VCF-style: chr12-48299826-T-C.
Identifiers: ClinVar variation 3336650 (VCV003336650.1).
Genomic context (GRCh38, chr12:47,906,043, plus strand): 5'-TGGAATAGAAATGCTCACAAAATCATCCAGCAGTCGATGACCTCCTTTAGCCAGGGAAGA[T>C]ATTGCTATTCGCCTCTTACAGAGGAGGAAACCATGGCTCAGAGGGACAAGGTGAAAGGGT-3'